The following is an entry in ClinVar:

NM_001844.5(COL2A1):c.2126C>G (p.Ser709Cys)

Gene: COL2A1 (collagen type II alpha 1 chain; minus strand). Cytogenetic location: 12q13.11.
Variant type: single nucleotide variant.
Coding change: c.2126C>G on transcript NM_001844.5 (MANE Select); coding-DNA position 2126, C replaced by G.
Protein change: p.Ser709Cys; replaces serine 709 with cysteine.
Molecular consequence: missense variant.
Genome position (GRCh38, 1-based): chr12:47,982,915, G>C on the plus strand (C>G on the coding strand, the complement: COL2A1 is on the minus strand). VCF-style: chr12-47982915-G-C. GRCh37 (hg19) VCF-style: chr12-48376698-G-C.
Other names: c.1919C>G, p.Ser640Cys (NM_033150.3); short protein forms S640C, S709C.
Identifiers: ClinVar variation 1314079 (VCV001314079.2), dbSNP rs771198337, ClinGen allele CA384547102.

ClinVar aggregate classification (germline): Uncertain significance (1 of 4 stars; one submission).

Submission:

GeneDx
Classification: Uncertain significance. Last evaluated: 2021-09-09. Review status: criteria provided, single submitter. Criteria: GeneDx Variant Classification Process June 2021. Collection method: clinical testing. Allele origin: germline. Affected: yes.
Comment: Not observed in large population cohorts (Lek et al., 2016); In silico analysis supports that this missense variant does not alter protein structure/function; Has not been previously published as pathogenic or benign to our knowledge